The following is an entry in ClinVar:

NM_003105.6(SORL1):c.133G>T (p.Asp45Tyr)

Genes: SORL1 (sortilin related receptor 1; plus strand), SORL1-AS1 (SORL1 antisense RNA 1; minus strand). Cytogenetic location: 11q24.1.
Variant type: single nucleotide variant.
Coding change: c.133G>T on transcript NM_003105.6 (MANE Select); coding-DNA position 133, G replaced by T.
Protein change: p.Asp45Tyr; replaces aspartic acid 45 with tyrosine.
Molecular consequence: missense variant.
Genome position (GRCh38, 1-based): chr11:121,452,464, G>T. VCF-style: chr11-121452464-G-T. GRCh37 (hg19) VCF-style: chr11-121323173-G-T.
Other names: short protein forms D45Y.
Identifiers: ClinVar variation 2909523 (VCV002909523.3), dbSNP rs577492989, ClinGen allele CA6328287.

ClinVar aggregate classification (germline): Uncertain significance (1 of 4 stars; one submission).

Allele frequency attached by ClinVar (database versions not stated): gnomAD 0.00001; gnomAD exomes 0.00001; TOPMed 0.00002; 1000 Genomes Project 30x 0.00016; 1000 Genomes Project 0.00020.
gnomAD v4.1: 20 of 1,508,208 alleles (0.0013%); highest among the groups gnomAD compares: Middle Eastern, 0.022%; no homozygotes.

Submission:

Labcorp Genetics (formerly Invitae), Labcorp
Classification: Uncertain significance. Last evaluated: 2023-10-06. Review status: criteria provided, single submitter. Criteria: Invitae Variant Classification Sherloc (09022015). Collection method: clinical testing. Allele origin: germline.
Comment: This sequence change replaces aspartic acid, which is acidic and polar, with tyrosine, which is neutral and polar, at codon 45 of the SORL1 protein (p.Asp45Tyr). The frequency data for this variant in the population databases is considered unreliable, as metrics indicate poor data quality at this position in the gnomAD database. This variant has not been reported in the literature in individuals affected with SORL1-related conditions. An algorithm developed to predict the effect of missense changes on protein structure and function (PolyPhen-2) suggests that this variant is likely to be tolerated. In summary, the available evidence is currently insufficient to determine the role of this variant in disease. Therefore, it has been classified as a Variant of Uncertain Significance.